The following is an entry in ClinVar:

ClinVar aggregate classification (germline): Likely benign (0 of 4 stars; one submission).

Conditions:
IL21R-related disorder. Also called: IL21R-related condition.

Allele frequency attached by ClinVar (database versions not stated): gnomAD exomes below 0.00001.
gnomAD v4.1: 1 of 1,613,470 alleles (0.000062%); highest among the groups gnomAD compares: Non-Finnish European, 0.000085%; no homozygotes.

Submission:

PreventionGenetics, part of Exact Sciences
Classification: Likely benign for IL21R-related condition. Last evaluated: 2023-08-09. Review status: no assertion criteria provided. Collection method: clinical testing. Allele origin: germline.
Comment: This variant is classified as likely benign based on ACMG/AMP sequence variant interpretation guidelines (Richards et al. 2015 PMID: 25741868, with internal and published modifications).

NM_181078.3(IL21R):c.1137G>A (p.Val379=)

Genes: IL21R (interleukin 21 receptor; plus strand), IL21R-AS1 (IL21R antisense RNA 1; minus strand). Cytogenetic location: 16p12.1.
Variant type: single nucleotide variant.
Coding change: c.1137G>A on transcript NM_181078.3 (MANE Select); coding-DNA position 1137, G replaced by A.
Protein change: p.Val379=; no amino-acid change (valine 379 retained).
Molecular consequence: synonymous variant. On other transcripts: non-coding transcript variant (1).
Genome position (GRCh38, 1-based): chr16:27,448,803, G>A. VCF-style: chr16-27448803-G-A. GRCh37 (hg19) VCF-style: chr16-27460124-G-A.
Other names: c.1137G>A, p.Val379= (NM_021798.4); c.1203G>A, p.Val401= (NM_181079.5).
Identifiers: ClinVar variation 3053490 (VCV003053490.2), dbSNP rs2141319240, ClinGen allele CA494471367.